The following is an entry in ClinVar:

NC_000006.11:g.(?_15487538)_(15533626_?)del

Genes: DTNBP1 (dystrobrevin binding protein 1; minus strand), JARID2 (jumonji and AT-rich interaction domain containing 2; plus strand). Cytogenetic location: 6p22.3.
Variant type: Deletion.
Identifiers: ClinVar variation 1448584 (VCV001448584.6).

ClinVar aggregate classification (germline): Pathogenic (1 of 4 stars; one submission).

Submission:

Labcorp Genetics (formerly Invitae), Labcorp
Classification: Pathogenic. Last evaluated: 2021-01-15. Review status: criteria provided, single submitter. Criteria: Invitae Variant Classification Sherloc (09022015). Collection method: clinical testing. Allele origin: germline.
Comment: This variant is a gross deletion of the genomic region encompassing exon(s) 6-18 of the JARID2 gene. The 5' boundary is likely confined to intron 5. The 3' end of this event is unknown as it extends through the termination codon beyond the assayed region for this gene and may encompass additional genes. While this deletion is not anticipated to lead to nonsense mediated decay, it is expected to alter mRNA translation or result in a truncated protein product. This variant has not been reported in the literature in individuals with JARID2-related conditions. For these reasons, this variant has been classified as Pathogenic. This deletion disrupts the C-terminus of the JARID2 protein. Other variant(s) that disrupt this region (p.Ser1116Glnfs*71) have been determined to be pathogenic (PMID: 33077894). This suggests that variants that disrupt this region of the protein are likely to be causative of disease.

Literature cited by the submitters: PubMed 33077894.